The following is an entry in ClinVar:

NM_000313.4(PROS1):c.*1_*2insSVAelement

Gene: PROS1 (protein S; minus strand). Cytogenetic location: 3q11.1.
Variant type: Insertion.
Coding change: c.*1_*2insSVAelement on transcript NM_000313.4; 1 bases downstream of the stop codon through 2 bases downstream of the stop codon, an insertion.
Other names: NM_000313.3:c.*1_*2insSVA.
Identifiers: ClinVar variation 870244 (VCV000870244.1).

ClinVar aggregate classification (germline): Uncertain significance (1 of 4 stars; one submission).

Conditions:
Thrombophilia due to protein S deficiency, autosomal recessive (THPH6). Identifiers: Orphanet 743, MedGen C3281092, MONDO:0013791, OMIM 614514. Disease mechanism: loss of function.

Submission:

Labcorp Genetics (formerly Invitae), Labcorp
Classification: Uncertain significance for Thrombophilia due to protein S deficiency, autosomal recessive. Last evaluated: 2019-10-25. Review status: criteria provided, single submitter. Criteria: Invitae Variant Classification Sherloc (09022015). Collection method: clinical testing. Allele origin: germline.
Comment: This sequence change is a SINE-VNTR-Alu (SVA) mediated insertion in exon 15 of the PROS1 mRNA (c.*1_*2insSVA). The exact size and sequence of the insertion cannot be determined by the current assay. This variant occurs in a non-coding region of the PROS1 gene. It does not change the encoded amino acid sequence of the PROS1 protein. This variant is not present in population databases (ExAC no frequency). This variant has been observed to segregate with thrombosis in a family (Invitae). Experimental studies and prediction algorithms are not available for this variant, and the functional significance of this non-coding change is currently unknown. Algorithms developed to predict the effect of sequence changes on RNA splicing suggest that this variant may create or strengthen a splice site, but this prediction has not been confirmed by published transcriptional studies. In summary, the available evidence is currently insufficient to determine the role of this variant in disease. Therefore, it has been classified as a Variant of Uncertain Significance.